The following is an entry in ClinVar:

ClinVar aggregate classification (germline): Uncertain significance (1 of 4 stars; one submission).

Conditions:
Cardiovascular phenotype. Identifiers: MedGen CN230736.
Hereditary cancer-predisposing syndrome. Also called: Tumor predisposition; Neoplastic Syndromes, Hereditary; Hereditary neoplastic syndrome; Hereditary Cancer Syndrome. Identifiers: Orphanet 140162, MedGen C0027672, MeSH D009386, MONDO:0015356.

Submission:

Ambry Genetics
Classification: Uncertain significance for Cardiovascular phenotype; Hereditary cancer-predisposing syndrome. Last evaluated: 2025-09-01. Review status: criteria provided, single submitter. Criteria: Ambry Variant Classification Scheme 2023. Collection method: clinical testing. Allele origin: germline.
Comment: The p.Q775E variant (also known as c.2323C>G), located in coding exon 19 of the LZTR1 gene, results from a C to G substitution at nucleotide position 2323. The glutamine at codon 775 is replaced by glutamic acid, an amino acid with highly similar properties. This amino acid position is conserved. In addition, the in silico prediction for this alteration is inconclusive. Based on the available evidence, the clinical significance of this variant remains unclear.

NM_006767.4(LZTR1):c.2323C>G (p.Gln775Glu)

Gene: LZTR1 (leucine zipper like post translational regulator 1; plus strand). Cytogenetic location: 22q11.21.
Variant type: single nucleotide variant.
Coding change: c.2323C>G on transcript NM_006767.4 (MANE Select); coding-DNA position 2323, C replaced by G.
Protein change: p.Gln775Glu; replaces glutamine 775 with glutamic acid.
Molecular consequence: missense variant.
Genome position (GRCh38, 1-based): chr22:20,996,799, C>G. VCF-style: chr22-20996799-C-G. GRCh37 (hg19) VCF-style: chr22-21351088-C-G.
Other names: short protein forms Q775E.
Identifiers: ClinVar variation 4101948 (VCV004101948.1).